The following is an entry in ClinVar:

ClinVar aggregate classification (germline): Pathogenic/Likely pathogenic. Review status: criteria provided, multiple submitters, no conflicts (2 of 4 stars). 5 submissions from 5 submitters: Pathogenic (4); Likely pathogenic (1). Last evaluated 2024-09-03.

Conditions:
Dermatitis, atopic, 2. Identifiers: MedGen C1853965, MONDO:0011596, OMIM 605803.
Ichthyosis vulgaris. Also called: ICHTHYOSIS SIMPLEX; Dominant ichthyosis vulgaris. Identifiers: MedGen C0079584, MONDO:0024304, OMIM 146700.

Submissions (5):

GeneDx
Classification: Pathogenic. Last evaluated: 2024-09-03. Review status: criteria provided, single submitter. Criteria: GeneDx Variant Classification Process June 2021. Collection method: clinical testing. Allele origin: germline. Affected: yes.
Comment: Reported, as 3222del4 using alternate nomenclature, in multiple individuals with atopic dermatitis (PMID: 21039602, 22220561); Frameshift variant predicted to result in abnormal protein length as the last 2988 amino acids are replaced with 46 different amino acids, and other similar variants have been reported in HGMD; This variant is associated with the following publications: (PMID: 21039602, 33047146, 16444271, 22220561)

3billion
Classification: Likely pathogenic for Dermatitis, atopic, 2. Last evaluated: 2023-10-06. Review status: criteria provided, single submitter. Criteria: ACMG Guidelines, 2015. Collection method: clinical testing. Allele origin: germline. Affected: yes.
Comment: Even though the variant is observed in the gnomAD v2.1.1 dataset, with the variant reported in multiple individuals with atopic dermatitis, the variant is considered likely pathogenic. Predicted Consequence/Location: Frameshift: predicted to result in a loss or disruption of normal protein function through protein truncation. The predicted truncated protein may be shortened by more than 10%. The variant has been reported at least twice as pathogenic without evidence for the classification (ClinVar ID: VCV000817045 /PMID: 21039602). Therefore, this variant is classified as Likely pathogenic according to the recommendation of ACMG/AMP guideline.

Genome-Nilou Lab
Classification: Pathogenic for Ichthyosis vulgaris. Last evaluated: 2023-04-11. Review status: criteria provided, single submitter. Criteria: ACMG Guidelines, 2015. Collection method: clinical testing. Allele origin: germline. Affected: no.

Mendelics
Classification: Pathogenic for Ichthyosis vulgaris. Last evaluated: 2022-05-04. Review status: criteria provided, single submitter. Criteria: Mendelics Assertion Criteria 2019. Collection method: clinical testing. Allele origin: germline.

Juno Genomics, Hangzhou Juno Genomics, Inc
Classification: Pathogenic for Dermatitis, atopic, 2; Ichthyosis vulgaris. Review status: criteria provided, single submitter. Criteria: ACMG Guidelines, 2015. Collection method: clinical testing. Allele origin: germline.
Comment: Absent from controls (or at extremely low frequency if recessive) in Genome Aggregation Database.;Null variant in a gene where loss of function (LOF) is a known mechanism of disease.;The prevalence of the variant in affected individuals is significantly increased compared to the prevalence in controls.;Patient's phenotype or family history is highly specific for a disease with a single genetic etiology.

Literature cited by the submitters: PubMed 21039602 (cited by 3billion).

NM_002016.2(FLG):c.3222_3225del (p.Ser1074fs)

Genes: CCDST (cervical cancer associated DHX9 suppressive transcript; plus strand), FLG (filaggrin; minus strand). Cytogenetic location: 1q21.3.
Variant type: Deletion.
Coding change: c.3222_3225del on transcript NM_002016.2 (MANE Select); coding-DNA positions 3222 to 3225, 4 bases deleted (TGAG; older notation c.3222_3225delTGAG).
Protein change: p.Ser1074fs; shifts the reading frame from serine 1074.
Molecular consequence: frameshift variant.
Genome position (GRCh38, 1-based): chr1:152,311,661-152,311,664, CTCA deleted on the plus strand (TGAG on the coding strand, the reverse complement: FLG is on the minus strand); deleting any 4 consecutive bases within chr1:152,311,661-152,311,666 gives the same sequence; the c. name uses the placement nearest the transcript's 3' end. VCF-style (leftmost placement, unchanged base first): chr1-152311660-CCTCA-C. GRCh37 (hg19) VCF-style: chr1-152284136-CCTCA-C.
Other names: c.3222_3225delTGAG (NM_002016.1); short protein forms S1074fs.
Identifiers: ClinVar variation 817045 (VCV000817045.11), dbSNP rs745915174, ClinGen allele CA1106773.